The following is an entry in ClinVar:

ClinVar aggregate classification (germline): Uncertain significance (1 of 4 stars; one submission).

Submission:

Labcorp Genetics (formerly Invitae), Labcorp
Classification: Uncertain significance. Last evaluated: 2024-09-26. Review status: criteria provided, single submitter. Criteria: Invitae Variant Classification Sherloc (09022015). Collection method: clinical testing. Allele origin: germline.
Comment: This sequence change replaces leucine, which is neutral and non-polar, with arginine, which is basic and polar, at codon 221 of the YWHAG protein (p.Leu221Arg). This variant is not present in population databases (gnomAD no frequency). This variant has not been reported in the literature in individuals affected with YWHAG-related conditions. Invitae Evidence Modeling of protein sequence and biophysical properties (such as structural, functional, and spatial information, amino acid conservation, physicochemical variation, residue mobility, and thermodynamic stability) indicates that this missense variant is expected to disrupt YWHAG protein function with a positive predictive value of 80%. In summary, the available evidence is currently insufficient to determine the role of this variant in disease. Therefore, it has been classified as a Variant of Uncertain Significance.

NM_012479.4(YWHAG):c.662T>G (p.Leu221Arg)

Gene: YWHAG (tyrosine 3-monooxygenase/tryptophan 5-monooxygenase activation protein gamma; minus strand). Cytogenetic location: 7q11.23.
Variant type: single nucleotide variant.
Coding change: c.662T>G on transcript NM_012479.4 (MANE Select); coding-DNA position 662, T replaced by G.
Protein change: p.Leu221Arg; replaces leucine 221 with arginine.
Molecular consequence: missense variant.
Genome position (GRCh38, 1-based): chr7:76,329,659, A>C on the plus strand (T>G on the coding strand, the complement: YWHAG is on the minus strand). VCF-style: chr7-76329659-A-C. GRCh37 (hg19) VCF-style: chr7-75958976-A-C.
Other names: short protein forms L221R.
Identifiers: ClinVar variation 3709630 (VCV003709630.2).
Genomic context (GRCh38, chr7:76,329,659, plus strand): 5'-TCGTCGTCCTGCTGGTCGCTCGTCCAGAGCGTGAGGTTGTCGCGGAGGAGCTGCATGATG[A>C]GCGTGGAGTCCTTGTAGGAGTCCTCGTTGAGGGTGTCAAGCTCGGCGATGGCGTCGTCGA-3'
Protein context (NP_036611.2, residues 211-231): LNEDSYKDST[Leu221Arg]IMQLLRDNLT